The following is an entry in ClinVar:

NM_001111.5(ADAR):c.624C>G (p.Ser208Arg)

Gene: ADAR (adenosine deaminase RNA specific; minus strand). Cytogenetic location: 1q21.3.
Variant type: single nucleotide variant.
Coding change: c.624C>G on transcript NM_001111.5 (MANE Select); coding-DNA position 624, C replaced by G.
Protein change: p.Ser208Arg; replaces serine 208 with arginine.
Molecular consequence: missense variant. On other transcripts: 5 prime UTR variant (6).
Genome position (GRCh38, 1-based): chr1:154,602,018, G>C on the plus strand (C>G on the coding strand, the complement: ADAR is on the minus strand). VCF-style: chr1-154602018-G-C. GRCh37 (hg19) VCF-style: chr1-154574494-G-C.
Other names: c.-262C>G (NM_001025107.3, NM_001193495.2, NM_001365046.1 and 3 more transcripts); c.651C>G, p.Ser217Arg (NM_001365045.1); c.624C>G, p.Ser208Arg (NM_015840.4, NM_015841.4); short protein forms S208R, S217R.
Identifiers: ClinVar variation 3754739 (VCV003754739.2).

ClinVar aggregate classification (germline): Uncertain significance (1 of 4 stars; one submission).

Conditions:
Symmetrical dyschromatosis of extremities (DSH). Also called: RETICULATE ACROPIGMENTATION OF DOHI; SYMMETRIC DYSCHROMATOSIS OF THE EXTREMITIES; Dyschromatosis symmetrica hereditaria; DYSCHROMATOSIS SYMMETRICA HEREDITARIA 1. Identifiers: Orphanet 41, MedGen C0406775, MONDO:0007483, OMIM 127400.
Aicardi-Goutieres syndrome 6 (AGS6). Identifiers: Orphanet 51, MedGen C3539013, MONDO:0014007, OMIM 615010.

Submission:

Labcorp Genetics (formerly Invitae), Labcorp
Classification: Uncertain significance for Aicardi-Goutieres syndrome 6; Symmetrical dyschromatosis of extremities. Last evaluated: 2024-02-17. Review status: criteria provided, single submitter. Criteria: Invitae Variant Classification Sherloc (09022015). Collection method: clinical testing. Allele origin: germline.
Comment: This sequence change replaces serine, which is neutral and polar, with arginine, which is basic and polar, at codon 208 of the ADAR protein (p.Ser208Arg). This variant is not present in population databases (gnomAD no frequency). This variant has not been reported in the literature in individuals affected with ADAR-related conditions. An algorithm developed to predict the effect of missense changes on protein structure and function (PolyPhen-2) suggests that this variant is likely to be tolerated. In summary, the available evidence is currently insufficient to determine the role of this variant in disease. Therefore, it has been classified as a Variant of Uncertain Significance.